The following is an entry in ClinVar:

NM_002529.4(NTRK1):c.2052A>G (p.Gly684=)

Gene: NTRK1 (neurotrophic receptor tyrosine kinase 1; plus strand). Cytogenetic location: 1q23.1.
Variant type: single nucleotide variant.
Coding change: c.2052A>G on transcript NM_002529.4 (MANE Select); coding-DNA position 2052, A replaced by G.
Protein change: p.Gly684=; no amino-acid change (glycine 684 retained).
Molecular consequence: synonymous variant.
Genome position (GRCh38, 1-based): chr1:156,880,004, A>G. VCF-style: chr1-156880004-A-G. GRCh37 (hg19) VCF-style: chr1-156849796-A-G.
Other names: p.Gly678=; c.1944A>G, p.Gly648= (NM_001007792.1); c.2034A>G, p.Gly678= (NM_001012331.2).
Identifiers: ClinVar variation 138566 (VCV000138566.26), dbSNP rs34271945, ClinGen allele CA292620.

ClinVar aggregate classification (germline): Benign. Review status: criteria provided, multiple submitters, no conflicts (2 of 4 stars). 10 submissions from 10 submitters: Benign (7). 3 of the submissions do not count toward it. Last evaluated 2026-02-04.

Conditions:
NTRK1-related disorder. Also called: NTRK1-related condition.
Hereditary insensitivity to pain with anhidrosis (CIPA). Also called: hereditary sensory and autonomic neuropathy type 4; HSAN Type IV; NTRK1 Congenital Insensitivity to Pain with Anhidrosis; FAMILIAL DYSAUTONOMIA, TYPE II; NEUROPATHY, CONGENITAL SENSORY, WITH ANHIDROSIS; INSENSITIVITY TO PAIN, CONGENITAL, WITH ANHIDROSIS. Identifiers: Orphanet 642, MedGen C0020074, MONDO:0009746, OMIM 256800.

Allele frequency attached by ClinVar (database versions not stated): gnomAD exomes 0.00329 and 0.00856; ExAC 0.01036; 1000 Genomes Project 30x 0.02951; gnomAD 0.03084 and 0.03311; ESP Exome Variant Server 0.03399; TOPMed 0.03480; 1000 Genomes Project 0.05411.
gnomAD v4.1: 9,748 of 1,612,412 alleles (0.6%); highest among the groups gnomAD compares: African/African-American, 11%; 479 homozygotes.

Submissions (10):

Labcorp Genetics (formerly Invitae), Labcorp
Classification: Benign for Hereditary insensitivity to pain with anhidrosis. Last evaluated: 2026-02-04. Review status: criteria provided, single submitter. Criteria: Invitae Variant Classification Sherloc (09022015). Collection method: clinical testing. Allele origin: germline.

KCCC/NGS Laboratory, Kuwait Cancer Control Center
Classification: Benign for Hereditary insensitivity to pain with anhidrosis. Last evaluated: 2023-07-07. Review status: criteria provided, single submitter. Criteria: ACMG Guidelines, 2015. Collection method: clinical testing. Allele origin: germline. Affected: yes.

Genome-Nilou Lab
Classification: Benign for Hereditary insensitivity to pain with anhidrosis. Last evaluated: 2023-04-11. Review status: criteria provided, single submitter. Criteria: ACMG Guidelines, 2015. Collection method: clinical testing. Allele origin: germline. Affected: no.

Athena Diagnostics
Classification: Benign. Last evaluated: 2021-03-02. Review status: criteria provided, single submitter. Criteria: Athena Diagnostics criteria. Collection method: clinical testing. Allele origin: unknown.

Illumina Laboratory Services, Illumina
Classification: Benign for Hereditary insensitivity to pain with anhidrosis. Last evaluated: 2018-01-12. Review status: criteria provided, single submitter. Criteria: ICSL Variant Classification Criteria 13 December 2019. Collection method: clinical testing. Allele origin: germline.
Comment: This variant was observed in the ICSL laboratory as part of a predisposition screen in an ostensibly healthy population. It had not been previously curated by ICSL or reported in the Human Gene Mutation Database (HGMD: prior to June 1st, 2018), and was therefore a candidate for classification through an automated scoring system. Utilizing variant allele frequency, disease prevalence and penetrance estimates, and inheritance mode, an automated score was calculated to assess if this variant is too frequent to cause the disease. Based on the score and internal cut-off values, a variant classified as benign is not then subjected to further curation. The score for this variant resulted in a classification of benign for this disease.

Mayo Clinic Laboratories, Mayo Clinic
Classification: Benign. Last evaluated: 2016-10-19. Review status: criteria provided, single submitter. Criteria: ACMG Guidelines, 2015. Collection method: clinical testing. Allele origin: germline. Observed: 19 variant alleles.

Breakthrough Genomics
Classification: Benign. Review status: criteria provided, single submitter. Criteria: ACMG Guidelines, 2015. Collection method: not provided. Allele origin: germline. Inheritance: Autosomal recessive inheritance. Affected: yes.

PreventionGenetics, part of Exact Sciences
Classification: Benign for NTRK1-related condition. Last evaluated: 2022-09-09. Review status: no assertion criteria provided. Collection method: clinical testing. Allele origin: germline. Not counted in ClinVar's aggregate classification.
Comment: This variant is classified as benign based on ACMG/AMP sequence variant interpretation guidelines (Richards et al. 2015 PMID: 25741868, with internal and published modifications).

Clinical Genetics, Academic Medical Center
Classification: Benign. Review status: no assertion criteria provided. Collection method: clinical testing. Allele origin: germline. Affected: yes. Study: VKGL Data-share Consensus. Not counted in ClinVar's aggregate classification.

Joint Genome Diagnostic Labs from Nijmegen and Maastricht, Radboudumc and MUMC+
Classification: Benign. Review status: no assertion criteria provided. Collection method: clinical testing. Allele origin: germline. Affected: yes. Study: VKGL Data-share Consensus. Not counted in ClinVar's aggregate classification.